The following is an entry in ClinVar:

NM_006565.4(CTCF):c.813C>G (p.Cys271Trp)

Gene: CTCF (CCCTC-binding factor; plus strand). Cytogenetic location: 16q22.1.
Variant type: single nucleotide variant.
Coding change: c.813C>G on transcript NM_006565.4 (MANE Select); coding-DNA position 813, C replaced by G.
Protein change: p.Cys271Trp; replaces cysteine 271 with tryptophan.
Molecular consequence: missense variant. On other transcripts: intron variant (1).
Genome position (GRCh38, 1-based): chr16:67,611,982, C>G. VCF-style: chr16-67611982-C-G. GRCh37 (hg19) VCF-style: chr16-67645885-C-G.
Other names: c.813C>G, p.Cys271Trp (NM_001363916.2); c.-32-4763C>G (NM_001191022.2); short protein forms C271W.
Identifiers: ClinVar variation 1691590 (VCV001691590.3), dbSNP rs2142828124, ClinGen allele CA396308853.

ClinVar aggregate classification (germline): Uncertain significance (1 of 4 stars; one submission).

Submission:

GeneDx
Classification: Uncertain significance. Last evaluated: 2021-12-09. Review status: criteria provided, single submitter. Criteria: GeneDx Variant Classification Process June 2021. Collection method: clinical testing. Allele origin: germline. Affected: yes.
Comment: Not observed at significant frequency in large population cohorts (gnomAD); In silico analysis supports that this missense variant has a deleterious effect on protein structure/function; Has not been previously published as pathogenic or benign to our knowledge